The following is an entry in ClinVar:

ClinVar aggregate classification (germline): Uncertain significance. Review status: criteria provided, multiple submitters, no conflicts (2 of 4 stars). 2 submissions from 2 submitters: Uncertain significance (2). Last evaluated 2026-03-14.

Conditions:
Cardiovascular phenotype. Identifiers: MedGen CN230736.
Telangiectasia, hereditary hemorrhagic, type 1 (HHT1). Also called: Osler Weber Rendu syndrome type 1; ENG-Related Hereditary Hemorrhagic Telangiectasia. Identifiers: Orphanet 774, MedGen C4551861, MONDO:0008535, OMIM 187300. Disease mechanism: loss of function.

Allele frequency attached by ClinVar (database versions not stated): gnomAD exomes 0.00001.
gnomAD v4.1: 19 of 1,611,414 alleles (0.0012%); highest among the groups gnomAD compares: Non-Finnish European, 0.0016%; no homozygotes.

Submissions (2):

Ambry Genetics
Classification: Uncertain significance for Cardiovascular phenotype. Last evaluated: 2026-03-14. Review status: criteria provided, single submitter. Criteria: Ambry Variant Classification Scheme 2023. Collection method: clinical testing. Allele origin: germline.
Comment: The p.N428H variant (also known as c.1282A>C), located in coding exon 10 of the ENG gene, results from an A to C substitution at nucleotide position 1282. The asparagine at codon 428 is replaced by histidine, an amino acid with similar properties. This amino acid position is conserved. In addition, this alteration is predicted to be tolerated by in silico analysis. Based on the available evidence, the clinical significance of this variant remains unclear.

CSER _CC_NCGL, University of Washington
Classification: Uncertain significance for Hereditary Hemorrhagic Telangiectasia. Last evaluated: 2015-03-11. Review status: criteria provided, single submitter. Criteria: Amendola et al. (Genome Res. 2015). Collection method: research. Allele origin: germline. Inheritance: Autosomal dominant inheritance. Study: CSER - NEXT Medicine variant annotation.

NM_001114753.3(ENG):c.1282A>C (p.Asn428His)

Genes: ENG (endoglin; minus strand), LOC102723566 (uncharacterized LOC102723566; plus strand). Cytogenetic location: 9q34.11.
Variant type: single nucleotide variant.
Coding change: c.1282A>C on transcript NM_001114753.3 (MANE Select); coding-DNA position 1282, A replaced by C.
Protein change: p.Asn428His; replaces asparagine 428 with histidine.
Molecular consequence: missense variant.
Genome position (GRCh38, 1-based): chr9:127,819,651, T>G on the plus strand (A>C on the coding strand, the complement: ENG is on the minus strand). VCF-style: chr9-127819651-T-G. GRCh37 (hg19) VCF-style: chr9-130581930-T-G.
Other names: c.1282A>C, p.Asn428His (NM_000118.4); c.736A>C, p.Asn246His (NM_001278138.2); c.1282A>C (NM_001114753.1); short protein forms N246H, N428H.
Identifiers: ClinVar variation 226040 (VCV000226040.3), dbSNP rs875989811, ClinGen allele CA10576214.